The following is an entry in ClinVar:

ClinVar aggregate classification (germline): Uncertain significance (1 of 4 stars; one submission).

gnomAD v4.1: 2 of 1,613,926 alleles (0.00012%); highest among the groups gnomAD compares: Admixed American, 0.0017%; no homozygotes.

Submission:

GeneDx
Classification: Uncertain significance. Last evaluated: 2025-03-27. Review status: criteria provided, single submitter. Criteria: GeneDx Variant Classification Process June 2021. Collection method: clinical testing. Allele origin: germline. Affected: yes.
Comment: Not observed at significant frequency in large population cohorts (gnomAD); In silico analysis indicates that this missense variant does not alter protein structure/function; Has not been previously published as pathogenic or benign to our knowledge

NM_001922.5(DCT):c.1525C>G (p.His509Asp)

Gene: DCT (dopachrome tautomerase; minus strand). Cytogenetic location: 13q32.1.
Variant type: single nucleotide variant.
Coding change: c.1525C>G on transcript NM_001922.5 (MANE Select); coding-DNA position 1525, C replaced by G.
Protein change: p.His509Asp; replaces histidine 509 with aspartic acid.
Molecular consequence: missense variant.
Genome position (GRCh38, 1-based): chr13:94,439,933, G>C on the plus strand (C>G on the coding strand, the complement: DCT is on the minus strand). VCF-style: chr13-94439933-G-C. GRCh37 (hg19) VCF-style: chr13-95092187-G-C.
Other names: c.1624C>G, p.His542Asp (NM_001129889.3); c.592C>G, p.His198Asp (NM_001322182.2, NM_001322183.2, NM_001322184.2 and 1 more transcripts); c.1336C>G, p.His446Asp (NM_001322186.2); short protein forms H542D, H446D, H198D, H509D.
Identifiers: ClinVar variation 4088183 (VCV004088183.1).
Genomic context (GRCh38, chr13:94,439,933, plus strand): 5'-TTCTCTTAGGTAAGGCATGAGCACCCTAGGCTTCTTCTGTGTATCTCTTGCTGCTTAAAT[G>C]TGTCTCCATTAGGGGTGTATATCCTTTTCGAAGTCTTCTATATTGAAGAAAAGCCAACAG-3'
Protein context (NP_001913.2, residues 499-519): RKGYTPLMET[His509Asp]LSSKRYTEEA